The following is an entry in ClinVar:

ClinVar aggregate classification (germline): Uncertain significance. Review status: criteria provided, multiple submitters, no conflicts (2 of 4 stars). 5 submissions from 4 submitters: Uncertain significance (5). Last evaluated 2025-06-24.

Conditions:
Pierson syndrome. Also called: MICROCORIA-CONGENITAL NEPHROTIC SYNDROME. Identifiers: Orphanet 2670, MedGen C1836876, MONDO:0012184, OMIM 609049.
LAMB2-related infantile-onset nephrotic syndrome. Also called: NEPHROTIC SYNDROME, TYPE 5, WITHOUT OCULAR ABNORMALITIES; NEPHROTIC SYNDROME, TYPE 5, WITH OCULAR ABNORMALITIES; Nephrotic Syndrome, type 5. Identifiers: Orphanet 306507, MedGen C3280113, MONDO:0013621, OMIM 614199.
Inborn genetic diseases. Identifiers: MedGen C0950123, MeSH D030342.

Allele frequency attached by ClinVar (database versions not stated): TOPMed 0.00001; ExAC 0.00002; gnomAD exomes 0.00002; gnomAD 0.00003.
gnomAD v4.1: 34 of 1,613,798 alleles (0.0021%); highest among the groups gnomAD compares: Non-Finnish European, 0.0023%; no homozygotes.

Submissions (5):

Ambry Genetics
Classification: Uncertain significance for Inborn genetic diseases. Last evaluated: 2025-06-24. Review status: criteria provided, single submitter. Criteria: Ambry Variant Classification Scheme 2023. Collection method: clinical testing. Allele origin: germline.

CeGaT Center for Human Genetics Tuebingen
Classification: Uncertain significance. Last evaluated: 2023-08-01. Review status: criteria provided, single submitter. Criteria: CeGaT Center For Human Genetics Tuebingen Variant Classification Criteria Version 2. Collection method: clinical testing. Allele origin: germline. Affected: yes. Observed: 1 variant allele.

Labcorp Genetics (formerly Invitae), Labcorp
Classification: Uncertain significance for LAMB2-related infantile-onset nephrotic syndrome; Pierson syndrome. Last evaluated: 2022-01-18. Review status: criteria provided, single submitter. Criteria: Invitae Variant Classification Sherloc (09022015). Collection method: clinical testing. Allele origin: germline.
Comment: ClinVar contains an entry for this variant (Variation ID: 900407). This sequence change replaces arginine, which is basic and polar, with histidine, which is basic and polar, at codon 740 of the LAMB2 protein (p.Arg740His). This variant is present in population databases (rs781721930, gnomAD 0.004%). This variant has not been reported in the literature in individuals affected with LAMB2-related conditions. Algorithms developed to predict the effect of missense changes on protein structure and function (SIFT, PolyPhen-2, Align-GVGD) all suggest that this variant is likely to be disruptive. In summary, the available evidence is currently insufficient to determine the role of this variant in disease. Therefore, it has been classified as a Variant of Uncertain Significance.

Illumina Laboratory Services, Illumina
Classification: Uncertain significance for Pierson syndrome. Last evaluated: 2017-08-28. Review status: criteria provided, single submitter. Criteria: ICSL Variant Classification Criteria 13 December 2019. Collection method: clinical testing. Allele origin: germline.

Illumina Laboratory Services, Illumina
Classification: Uncertain significance for LAMB2-related infantile-onset nephrotic syndrome. Last evaluated: 2017-08-28. Review status: criteria provided, single submitter. Criteria: ICSL Variant Classification Criteria 13 December 2019. Collection method: clinical testing. Allele origin: germline.

NM_002292.4(LAMB2):c.2219G>A (p.Arg740His)

Gene: LAMB2 (laminin subunit beta 2; minus strand). Cytogenetic location: 3p21.31.
Variant type: single nucleotide variant.
Coding change: c.2219G>A on transcript NM_002292.4 (MANE Select); coding-DNA position 2219, G replaced by A.
Protein change: p.Arg740His; replaces arginine 740 with histidine.
Molecular consequence: missense variant.
Genome position (GRCh38, 1-based): chr3:49,126,092, C>T on the plus strand (G>A on the coding strand, the complement: LAMB2 is on the minus strand). VCF-style: chr3-49126092-C-T. GRCh37 (hg19) VCF-style: chr3-49163525-C-T.
Other names: short protein forms R740H.
Identifiers: ClinVar variation 900407 (VCV000900407.31), dbSNP rs781721930, ClinGen allele CA2394353.